The following is an entry in ClinVar:

NM_198253.3(TERT):c.1313C>A (p.Pro438His)

Gene: TERT (telomerase reverse transcriptase; minus strand). Cytogenetic location: 5p15.33.
Variant type: single nucleotide variant.
Coding change: c.1313C>A on transcript NM_198253.3 (MANE Select); coding-DNA position 1313, C replaced by A.
Protein change: p.Pro438His; replaces proline 438 with histidine.
Molecular consequence: missense variant. On other transcripts: non-coding transcript variant (2).
Genome position (GRCh38, 1-based): chr5:1,293,573, G>T on the plus strand (C>A on the coding strand, the complement: TERT is on the minus strand). VCF-style: chr5-1293573-G-T. GRCh37 (hg19) VCF-style: chr5-1293688-G-T.
Other names: c.1313C>A, p.Pro438His (NM_001193376.3); short protein forms P438H.
Identifiers: ClinVar variation 1387665 (VCV001387665.6), dbSNP rs2126684855, ClinGen allele CA359086259.

ClinVar aggregate classification (germline): Uncertain significance (1 of 4 stars; one submission).

Conditions:
Idiopathic Pulmonary Fibrosis. Also called: Idiopathic fibrosing alveolitis, chronic form; idiopathic fibrosing alveolitis. Identifiers: Orphanet 2032, MedGen C1800706, MeSH D054990, MONDO:0800504.
Dyskeratosis congenita, autosomal dominant 2. Identifiers: MedGen C3151443, MONDO:0013521, OMIM 613989.

Submission:

Labcorp Genetics (formerly Invitae), Labcorp
Classification: Uncertain significance for Dyskeratosis congenita, autosomal dominant 2; Idiopathic Pulmonary Fibrosis. Last evaluated: 2021-10-17. Review status: criteria provided, single submitter. Criteria: Invitae Variant Classification Sherloc (09022015). Collection method: clinical testing. Allele origin: germline.
Comment: In summary, the available evidence is currently insufficient to determine the role of this variant in disease. Therefore, it has been classified as a Variant of Uncertain Significance. Algorithms developed to predict the effect of missense changes on protein structure and function are either unavailable or do not agree on the potential impact of this missense change (SIFT: "Deleterious"; PolyPhen-2: "Possibly Damaging"; Align-GVGD: "Class C0"). This variant has not been reported in the literature in individuals affected with TERT-related conditions. The frequency data for this variant in the population databases is considered unreliable, as metrics indicate insufficient coverage at this position in the ExAC database. This sequence change replaces proline with histidine at codon 438 of the TERT protein (p.Pro438His). The proline residue is moderately conserved and there is a moderate physicochemical difference between proline and histidine.